The following is an entry in ClinVar:

ClinVar aggregate classification (germline): Pathogenic. Review status: criteria provided, multiple submitters, no conflicts (2 of 4 stars). 2 submissions from 2 submitters: Pathogenic (2). Last evaluated 2024-03-07.

Conditions:
Joubert syndrome. Also called: Familial aplasia of the vermis; JOUBERT-BOLTSHAUSER SYNDROME. Identifiers: Orphanet 475, MedGen C5979921, MONDO:0018772.
Meckel-Gruber syndrome. Also called: Dysencephalia splachnocystica; DYSENCEPHALIA SPLANCHNOCYSTICA; GRUBER SYNDROME. Identifiers: Orphanet 564, MedGen C0265215, MONDO:0018921.
Joubert syndrome 9 (JBTS9). Identifiers: Orphanet 2318, MedGen C2676788, MONDO:0012849, OMIM 612285.

Submissions (2):

Labcorp Genetics (formerly Invitae), Labcorp
Classification: Pathogenic for Joubert syndrome; Meckel-Gruber syndrome. Last evaluated: 2024-03-07. Review status: criteria provided, single submitter. Criteria: Invitae Variant Classification Sherloc (09022015). Collection method: clinical testing. Allele origin: germline.
Comment: This sequence change creates a premature translational stop signal (p.Ser875*) in the CC2D2A gene. It is expected to result in an absent or disrupted protein product. Loss-of-function variants in CC2D2A are known to be pathogenic (PMID: 19777577). This variant is not present in population databases (gnomAD no frequency). This premature translational stop signal has been observed in individual(s) with Joubert syndrome (PMID: 26092869). ClinVar contains an entry for this variant (Variation ID: 217605). For these reasons, this variant has been classified as Pathogenic.

UW Hindbrain Malformation Research Program, University of Washington
Classification: Pathogenic for Joubert syndrome 9. Last evaluated: 2015-02-23. Review status: criteria provided, single submitter. Criteria: Bachmann-Gagescu et al. (J Med Genet. 2015). Collection method: research. Allele origin: unknown. Affected: yes.

Literature cited by the submitters: PubMed 19777577 (cited by Labcorp Genetics (formerly Invitae), Labcorp); PubMed 26092869 (cited by Labcorp Genetics (formerly Invitae), Labcorp).

NM_001378615.1(CC2D2A):c.2624C>A (p.Ser875Ter)

Genes: CC2D2A (coiled-coil and C2 domain containing 2A; plus strand), FBXL5 (F-box and leucine rich repeat protein 5; minus strand). Cytogenetic location: 4p15.32.
Variant type: single nucleotide variant.
Coding change: c.2624C>A on transcript NM_001378615.1 (MANE Select); coding-DNA position 2624, C replaced by A.
Protein change: p.Ser875Ter; replaces serine 875 with a stop codon.
Molecular consequence: nonsense.
Genome position (GRCh38, 1-based): chr4:15,555,209, C>A. VCF-style: chr4-15555209-C-A. GRCh37 (hg19) VCF-style: chr4-15556832-C-A.
Other names: c.2624C>A, p.Ser875Ter (NM_001080522.2); c.2477C>A, p.Ser826Ter (NM_001378617.1); short protein forms S875*, S826*.
Identifiers: ClinVar variation 217605 (VCV000217605.3), dbSNP rs200904521, ClinGen allele CA210272.